The following is an entry in ClinVar:

NM_006766.5(KAT6A):c.5185A>T (p.Ile1729Leu)

Gene: KAT6A (lysine acetyltransferase 6A; minus strand). Cytogenetic location: 8p11.21.
Variant type: single nucleotide variant.
Coding change: c.5185A>T on transcript NM_006766.5 (MANE Select); coding-DNA position 5185, A replaced by T.
Protein change: p.Ile1729Leu; replaces isoleucine 1729 with leucine.
Molecular consequence: missense variant.
Genome position (GRCh38, 1-based): chr8:41,933,035, T>A on the plus strand (A>T on the coding strand, the complement: KAT6A is on the minus strand). VCF-style: chr8-41933035-T-A. GRCh37 (hg19) VCF-style: chr8-41790553-T-A.
Other names: short protein forms I1729L.
Identifiers: ClinVar variation 1198558 (VCV001198558.9), dbSNP rs140560177, ClinGen allele CA4729340.

ClinVar aggregate classification (germline): Conflicting classifications of pathogenicity. Review status: criteria provided, conflicting classifications (1 of 4 stars). 3 submissions from 3 submitters: Uncertain significance (1); Likely benign (2). Last evaluated 2026-01-28.

Conditions:
Inborn genetic diseases. Identifiers: MedGen C0950123, MeSH D030342.

Allele frequency attached by ClinVar (database versions not stated): ExAC 0.00012; gnomAD 0.00015; TOPMed 0.00022; ESP Exome Variant Server 0.00031.
gnomAD v4.1: 254 of 1,613,876 alleles (0.016%); highest among the groups gnomAD compares: Middle Eastern, 0.033%; no homozygotes.

Submissions (3):

Labcorp Genetics (formerly Invitae), Labcorp
Classification: Likely benign. Last evaluated: 2026-01-28. Review status: criteria provided, single submitter. Criteria: Invitae Variant Classification Sherloc (09022015). Collection method: clinical testing. Allele origin: germline.

GeneDx
Classification: Likely benign. Last evaluated: 2020-07-14. Review status: criteria provided, single submitter. Criteria: GeneDx Variant Classification Process June 2021. Collection method: clinical testing. Allele origin: germline. Affected: yes.

Ambry Genetics
Classification: Uncertain significance for Inborn genetic diseases. Last evaluated: 2018-06-21. Review status: criteria provided, single submitter. Criteria: Ambry Variant Classification Scheme 2023. Collection method: clinical testing. Allele origin: germline.
Comment: The p.I1729L variant (also known as c.5185A>T), located in coding exon 16 of the KAT6A gene, results from an A to T substitution at nucleotide position 5185. The isoleucine at codon 1729 is replaced by leucine, an amino acid with highly similar properties. This amino acid position is not well conserved in available vertebrate species, and leucine is the reference amino acid in other vertebrate species. In addition, this alteration is predicted to be tolerated by in silico analysis. Since supporting evidence is limited at this time, the clinical significance of this alteration remains unclear.